The following is an entry in ClinVar:

ClinVar aggregate classification (germline): Likely benign (1 of 4 stars; one submission).

Submission:

GeneDx
Classification: Likely benign. Last evaluated: 2016-09-16. Review status: criteria provided, single submitter. Criteria: GeneDx Variant Classification (06012015). Collection method: clinical testing. Allele origin: germline. Affected: yes.
Comment: This variant is considered likely benign or benign based on one or more of the following criteria: it is a conservative change, it occurs at a poorly conserved position in the protein, it is predicted to be benign by multiple in silico algorithms, and/or has population frequency not consistent with disease.

NM_001130823.3(DNMT1):c.4734C>T (p.Thr1578=)

Genes: DNMT1 (DNA methyltransferase 1; minus strand), LOC126862853 (CDK7 strongly-dependent group 2 enhancer GRCh37_chr19:10246117-10247316; plus strand). Cytogenetic location: 19p13.2.
Variant type: single nucleotide variant.
Coding change: c.4734C>T on transcript NM_001130823.3 (MANE Select); coding-DNA position 4734, C replaced by T.
Protein change: p.Thr1578=; no amino-acid change (threonine 1578 retained).
Molecular consequence: synonymous variant.
Genome position (GRCh38, 1-based): chr19:10,135,775, G>A on the plus strand (C>T on the coding strand, the complement: DNMT1 is on the minus strand). VCF-style: chr19-10135775-G-A. GRCh37 (hg19) VCF-style: chr19-10246451-G-A.
Other names: c.4734C>T (LRG_362t1); c.4695C>T, p.Thr1565= (NM_001318730.2); c.4371C>T, p.Thr1457= (NM_001318731.2); c.4686C>T, p.Thr1562= (NM_001379.4).
Identifiers: ClinVar variation 389304 (VCV000389304.1), dbSNP rs1057523396, ClinGen allele CA16607970.